The following is an entry in ClinVar:

ClinVar aggregate classification (germline): Uncertain significance (1 of 4 stars; one submission).

Conditions:
Neurodevelopmental disorder. Identifiers: MedGen C1535926, MeSH D065886, MONDO:0700092.

Allele frequency attached by ClinVar (database versions not stated): gnomAD exomes 0.00002; ExAC 0.00003; gnomAD 0.00003; TOPMed 0.00004.
gnomAD v4.1: 30 of 1,612,392 alleles (0.0019%); highest among the groups gnomAD compares: Admixed American, 0.0083%; no homozygotes.

Submission:

Institute of Human Genetics, University of Leipzig Medical Center
Classification: Uncertain significance for Neurodevelopmental disorder. Last evaluated: 2024-02-12. Review status: criteria provided, single submitter. Criteria: ACMG Guidelines, 2015. Collection method: clinical testing. Allele origin: paternal. Affected: yes.
Comment: Criteria applied: PP3, PS3_MOD, PM1_SUP This variant was identified together with the variant NM_014705.4:c.3125T>C, p.Val1042Ala

Literature cited by the submitters: DOI 10.1007/s00439-024-02655-4.

NM_001363540.2(DOCK4):c.1258G>A (p.Val420Met)

Gene: DOCK4 (dedicator of cytokinesis 4; minus strand). Cytogenetic location: 7q31.1.
Variant type: single nucleotide variant.
Coding change: c.1258G>A on transcript NM_001363540.2 (MANE Select); coding-DNA position 1258, G replaced by A.
Protein change: p.Val420Met; replaces valine 420 with methionine.
Molecular consequence: missense variant.
Genome position (GRCh38, 1-based): chr7:111,901,736, C>T on the plus strand (G>A on the coding strand, the complement: DOCK4 is on the minus strand). VCF-style: chr7-111901736-C-T. GRCh37 (hg19) VCF-style: chr7-111541792-C-T.
Other names: c.1258G>A, p.Val420Met (NM_014705.4); short protein forms V420M.
Identifiers: ClinVar variation 2627585 (VCV002627585.2), dbSNP rs768165193, ClinGen allele CA4442472.